The following is an entry in ClinVar:

ClinVar aggregate classification (germline): Conflicting classifications of pathogenicity. Review status: criteria provided, conflicting classifications (1 of 4 stars). 6 submissions from 6 submitters: Uncertain significance (2); Likely benign (4). Last evaluated 2026-01-26.

Conditions:
Hermansky-Pudlak syndrome 2 (HPS2). Also called: Platelet defects and oculocutaneous albinism. Identifiers: Orphanet 183678, Orphanet 79430, MedGen C1842362, MONDO:0011997, OMIM 608233.
Autoinflammatory syndrome. Identifiers: Orphanet 93665, MedGen C3890737, MONDO:0019751.

Allele frequency attached by ClinVar (database versions not stated): gnomAD exomes 0.00014 and 0.00033; ESP Exome Variant Server 0.00031; ExAC 0.00042; 1000 Genomes Project 30x 0.00047; gnomAD 0.00047 and 0.00048; 1000 Genomes Project 0.00060; TOPMed 0.00065.
gnomAD v4.1: 309 of 1,611,960 alleles (0.019%); highest among the groups gnomAD compares: African/African-American, 0.19%; 2 homozygotes.

Submissions (6):

Labcorp Genetics (formerly Invitae), Labcorp
Classification: Likely benign for Hermansky-Pudlak syndrome 2. Last evaluated: 2026-01-26. Review status: criteria provided, single submitter. Criteria: Invitae Variant Classification Sherloc (09022015). Collection method: clinical testing. Allele origin: germline.

CeGaT Center for Human Genetics Tuebingen
Classification: Likely benign. Last evaluated: 2025-06-01. Review status: criteria provided, single submitter. Criteria: CeGaT Center For Human Genetics Tuebingen Variant Classification Criteria Version 2. Collection method: clinical testing. Allele origin: germline. Affected: yes. Observed: 1 variant allele.
Comment: AP3B1: BP4, BP7

Blueprint Genetics
Classification: Likely benign. Last evaluated: 2024-08-26. Review status: criteria provided, single submitter. Criteria: ACMG Guidelines, 2015. Collection method: clinical testing. Allele origin: germline.

Genome Diagnostics Laboratory, The Hospital for Sick Children
Classification: Uncertain significance for Autoinflammatory syndrome. Last evaluated: 2019-04-01. Review status: criteria provided, single submitter. Criteria: ACMG Guidelines, 2015. Collection method: clinical testing. Allele origin: germline. Affected: yes.

Illumina Laboratory Services, Illumina
Classification: Uncertain significance for Hermansky-Pudlak syndrome 2. Last evaluated: 2018-01-13. Review status: criteria provided, single submitter. Criteria: ICSL Variant Classification Criteria 13 December 2019. Collection method: clinical testing. Allele origin: germline.

Genetic Services Laboratory, University of Chicago
Classification: Likely benign. Last evaluated: 2016-02-05. Review status: criteria provided, single submitter. Criteria: ACMG Guidelines, 2015. Collection method: clinical testing. Allele origin: germline. Affected: no.

NM_003664.5(AP3B1):c.822C>T (p.Tyr274=)

Gene: AP3B1 (adaptor related protein complex 3 subunit beta 1; minus strand). Cytogenetic location: 5q14.1.
Variant type: single nucleotide variant.
Coding change: c.822C>T on transcript NM_003664.5 (MANE Select); coding-DNA position 822, C replaced by T.
Protein change: p.Tyr274=; no amino-acid change (tyrosine 274 retained).
Molecular consequence: synonymous variant.
Genome position (GRCh38, 1-based): chr5:78,181,627, G>A on the plus strand (C>T on the coding strand, the complement: AP3B1 is on the minus strand). VCF-style: chr5-78181627-G-A. GRCh37 (hg19) VCF-style: chr5-77477451-G-A.
Other names: c.675C>T, p.Tyr225= (NM_001271769.2).
Identifiers: ClinVar variation 354246 (VCV000354246.34), dbSNP rs112652327, ClinGen allele CA3317282.